The following is an entry in ClinVar:

NM_002667.5(PLN):c.16T>C (p.Tyr6His)

Genes: CEP85L (centrosomal protein 85L; minus strand), PLN (phospholamban; plus strand). Cytogenetic location: 6q22.31.
Variant type: single nucleotide variant.
Coding change: c.16T>C on transcript NM_002667.5 (MANE Select); coding-DNA position 16, T replaced by C.
Protein change: p.Tyr6His; replaces tyrosine 6 with histidine.
Molecular consequence: missense variant. On other transcripts: intron variant (3).
Genome position (GRCh38, 1-based): chr6:118,558,937, T>C. VCF-style: chr6-118558937-T-C. GRCh37 (hg19) VCF-style: chr6-118880100-T-C.
Other names: c.1029+6592A>G (NM_001178035.2); c.1020+6592A>G (NM_001042475.3, NM_206921.3); short protein forms Y6H.
Identifiers: ClinVar variation 2181774 (VCV002181774.4), dbSNP rs780082801, ClinGen allele CA3977968.
Genomic context (GRCh38, chr6:118,558,937, plus strand): 5'-TCTCTCGACCACTTAAAACTTCAGACTTCCTGTCCTGCTGGTATCATGGAGAAAGTCCAA[T>C]ACCTCACTCGCTCAGCTATAAGAAGAGCCTCAACCATTGAAATGCCTCAACAAGCACGTC-3'
Protein context (NP_002658.1, residues 1-16): MEKVQ[Tyr6His]LTRSAIRRAS

ClinVar aggregate classification (germline): Uncertain significance (1 of 4 stars; one submission).

Conditions:
Dilated cardiomyopathy 1P (CMD1P). Identifiers: Orphanet 154, MedGen C1835928, MONDO:0012362, OMIM 609909.

Allele frequency attached by ClinVar (database versions not stated): gnomAD 0.00001; TOPMed 0.00001.
gnomAD v4.1: 5 of 1,613,838 alleles (0.00031%); highest among the groups gnomAD compares: African/African-American, 0.004%; no homozygotes.

Submission:

Labcorp Genetics (formerly Invitae), Labcorp
Classification: Uncertain significance for Dilated cardiomyopathy 1P. Last evaluated: 2025-03-30. Review status: criteria provided, single submitter. Criteria: Invitae Variant Classification Sherloc (09022015). Collection method: clinical testing. Allele origin: germline.
Comment: This sequence change replaces tyrosine, which is neutral and polar, with histidine, which is basic and polar, at codon 6 of the PLN protein (p.Tyr6His). This variant is present in population databases (rs780082801, gnomAD no frequency). This variant has not been reported in the literature in individuals affected with PLN-related conditions. ClinVar contains an entry for this variant (Variation ID: 2181774). An algorithm developed to predict the effect of missense changes on protein structure and function outputs the following: PolyPhen-2: "Possibly Damaging". The histidine amino acid residue is found in multiple mammalian species, which suggests that this missense change does not adversely affect protein function. In summary, the available evidence is currently insufficient to determine the role of this variant in disease. Therefore, it has been classified as a Variant of Uncertain Significance.